The following is an entry in ClinVar:

ClinVar aggregate classification (germline): Uncertain significance. Review status: criteria provided, multiple submitters, no conflicts (2 of 4 stars). 3 submissions from 3 submitters: Uncertain significance (3). Last evaluated 2025-08-04.

Conditions:
Inborn genetic diseases. Identifiers: MedGen C0950123, MeSH D030342.
Neurodevelopmental disorder with or without early-onset generalized epilepsy. Identifiers: MedGen C5436914, MONDO:0030930, OMIM 619157.

Allele frequency attached by ClinVar (database versions not stated): TOPMed 0.00001.

Submissions (3):

Ambry Genetics
Classification: Uncertain significance for Inborn genetic diseases. Last evaluated: 2025-08-04. Review status: criteria provided, single submitter. Criteria: Ambry Variant Classification Scheme 2023. Collection method: clinical testing. Allele origin: germline.

Women's Health and Genetics/Laboratory Corporation of America, LabCorp
Classification: Uncertain significance. Last evaluated: 2024-12-03. Review status: criteria provided, single submitter. Criteria: LabCorp Variant Classification Summary - May 2015. Collection method: clinical testing. Allele origin: germline.
Comment: Variant summary: NBEA c.2103T>A (p.Asp701Glu) results in a conservative amino acid change located in the Neurobeachin/BDCP, DUF4704 alpha solenoid region (IPR031570) of the encoded protein sequence. Three of five in-silico tools predict a benign effect of the variant on protein function. The frequency data for this variant in gnomAD is considered unreliable, as metrics indicate poor data quality at this position. To our knowledge, no occurrence of c.2103T>A in individuals affected with Neurodevelopmental Disorder With Or Without Early-Onset Generalized Epilepsy and no experimental evidence demonstrating its impact on protein function have been reported. ClinVar contains an entry for this variant (Variation ID: 2434048). Based on the evidence outlined above, the variant was classified as uncertain significance.

Revvity Omics, Revvity
Classification: Uncertain significance for Neurodevelopmental disorder with or without early-onset generalized epilepsy. Last evaluated: 2020-01-07. Review status: criteria provided, single submitter. Criteria: ACMG Guidelines, 2015. Collection method: clinical testing. Allele origin: germline.

NM_001385012.1(NBEA):c.2103T>A (p.Asp701Glu)

Gene: NBEA (neurobeachin; plus strand). Cytogenetic location: 13q13.3.
Variant type: single nucleotide variant.
Coding change: c.2103T>A on transcript NM_001385012.1 (MANE Select); coding-DNA position 2103, T replaced by A.
Protein change: p.Asp701Glu; replaces aspartic acid 701 with glutamic acid.
Molecular consequence: missense variant.
Genome position (GRCh38, 1-based): chr13:35,118,248, T>A. VCF-style: chr13-35118248-T-A. GRCh37 (hg19) VCF-style: chr13-35692385-T-A.
Other names: c.2103T>A, p.Asp701Glu (NM_001379245.1, NM_015678.5); short protein forms D701E.
Identifiers: ClinVar variation 2434048 (VCV002434048.5), dbSNP rs2066607742, ClinGen allele CA387832087.